The following is an entry in ClinVar:

NM_001360.3(DHCR7):c.1A>G (p.Met1Val)

Gene: DHCR7 (7-dehydrocholesterol reductase; minus strand). Cytogenetic location: 11q13.4.
Variant type: single nucleotide variant.
Coding change: c.1A>G on transcript NM_001360.3 (MANE Select); coding-DNA position 1, A replaced by G.
Protein change: p.Met1Val; changes the start codon (methionine 1).
Molecular consequence: missense variant, initiator codon variant.
Genome position (GRCh38, 1-based): chr11:71,444,952, T>C on the plus strand (A>G on the coding strand, the complement: DHCR7 is on the minus strand). VCF-style: chr11-71444952-T-C. GRCh37 (hg19) VCF-style: chr11-71155998-T-C.
Other names: p.Met1?; c.1A>G, p.Met1Val (NM_001163817.2); short protein forms M1V.
Identifiers: ClinVar variation 6794 (VCV000006794.48), dbSNP rs104886033, ClinGen allele CA118516.

ClinVar aggregate classification (germline): Pathogenic/Likely pathogenic. Review status: criteria provided, multiple submitters, no conflicts (2 of 4 stars). 21 submissions from 21 submitters: Pathogenic (15); Likely pathogenic (3). 3 of the submissions do not count toward it. Last evaluated 2026-06-12.

Conditions:
DHCR7-related disorder. Also called: DHCR7-related condition.
Inborn genetic diseases. Identifiers: MedGen C0950123, MeSH D030342.
Smith-Lemli-Opitz syndrome (SLOS). Also called: POLYDACTYLY, SEX REVERSAL, RENAL HYPOPLASIA, AND UNILOBAR LUNG; RSH SYNDROME; RUTLEDGE LETHAL MULTIPLE CONGENITAL ANOMALY SYNDROME; 7-Dehydrocholesterol reductase deficiency; LETHAL ACRODYSGENITAL SYNDROME. Identifiers: Orphanet 818, MedGen C0175694, MONDO:0010035, OMIM 270400.

Allele frequency attached by ClinVar (database versions not stated): gnomAD exomes 0.00001 and 0.00002; ExAC 0.00002; TOPMed 0.00002; gnomAD 0.00004 and 0.00005.

Submissions 1 to 13 of 21:

PreventionGenetics, part of Exact Sciences
Classification: Pathogenic for DHCR7-related condition. Last evaluated: 2026-06-12. Review status: criteria provided, single submitter. Criteria: ACMG Guidelines, 2015. Collection method: clinical testing. Allele origin: germline.
Comment: The DHCR7 c.1A>G variant is predicted to disrupt the translation initiation site (Start loss). This variant, which is sometimes described in the literature as p.M1V, has been reported along with a second pathogenic DHCR7 variant in multiple individuals with Smith-Lemli-Opitz syndrome typically presenting with a milder phenotype (Witsch-Baumgartner et al. 2005. PubMed ID: 15776424; Pappu et al. 2006. PubMed ID: 16983147; Bianconi et al. 2011. PubMed ID: 21990131; Scalco et al. 2005. PubMed ID: 15952211). Of note, a downstream alternative transcriptional start site at p.Met59 has been shown to be enzymatically active in vitro and although this may explain the milder phenotype of this variant, the use of this transcriptional start site has not been validated in vivo (Wassif et al. 1998. PubMed ID: 9634533). This variant is reported in 0.0028% of alleles in individuals of Latino descent in gnomAD. This variant is interpreted as pathogenic.

Victorian Clinical Genetics Services, Murdoch Childrens Research Institute
Classification: Pathogenic for Smith-Lemli-Opitz syndrome. Last evaluated: 2026-03-27. Review status: criteria provided, single submitter. Criteria: ACMG Guidelines, 2015. Collection method: clinical testing. Allele origin: germline. Affected: yes.
Comment: This variant is classified as Pathogenic. Evidence in support of pathogenic classification: Variant is predicted to result in a loss of the canonical translation initiation codon (ATG); Variant is present in gnomAD <0.01 for a recessive condition (v4: 32 heterozygote(s), 0 homozygote(s)); This variant has strong previous evidence of pathogenicity in unrelated individuals. This variant has been classified as pathogenic/likely pathogenic by many clinical laboratories in ClinVar. Additionally, alternate changes in the initiation codon also resulting in a start loss (c.1A>C and c.3G>A) have been classified as pathogenic/likely pathogenic by clinical laboratories in ClinVar. Additional information: This variant is heterozygous; This gene is associated with autosomal recessive disease; Alternative nucleotide change(s) at the initiation codon are present in gnomAD (highest allele count: v4: 21 heterozygote(s), 0 homozygote(s)); Loss of function is a known mechanism of disease in this gene and is associated with Smith-Lemli-Opitz syndrome (MIM#270400); Variants in this gene are known to have variable expressivity. Exceptionally mild and severe cases have been reported, with intra and interfamilial variable expressivity (PMID: 35305950).

Labcorp Genetics (formerly Invitae), Labcorp
Classification: Pathogenic for Smith-Lemli-Opitz syndrome. Last evaluated: 2026-01-03. Review status: criteria provided, single submitter. Criteria: Invitae Variant Classification Sherloc (09022015). Collection method: clinical testing. Allele origin: germline.
Comment: This sequence change affects the initiator codon of the DHCR7 mRNA. This change may impact translation initiation or efficiency. The next in-frame methionine is located at codon 59. The frequency data for this variant in the population databases is considered unreliable, as metrics indicate poor data quality at this position in the gnomAD database. Disruption of the initiator codon has been observed in individuals with Smith-Lemli-Opitz syndrome (PMID: 12949967, 15776424, 15952211, 16983147, 21990131). ClinVar contains an entry for this variant (Variation ID: 6794). For these reasons, this variant has been classified as Pathogenic.

Natera, Inc.
Classification: Pathogenic for Smith-Lemli-Opitz syndrome. Last evaluated: 2025-09-12. Review status: criteria provided, single submitter. Criteria: Natera Variant Classification Schema (03/2026). Collection method: clinical testing. Allele origin: germline.
Comment: The c.1A>G variant in DHCR7 is predicted to result in start loss due to disruption of the initiator methionine. This variant is expected to result in nonsense mediated decay, truncation, or a dysfunctional protein product. This variant is rare in the general population with a frequency below the threshold expected for the associated phenotype(s). This variant has been observed in one or more individuals affected with the associated recessive disease, as either homozygous or compound heterozygous with a second variant (PMID: 21990131). Given the available evidence, this variant is classified as Pathogenic.

GeneDx
Classification: Likely pathogenic. Last evaluated: 2025-05-16. Review status: criteria provided, single submitter. Criteria: GeneDx Variant Classification Process June 2021. Collection method: clinical testing. Allele origin: germline. Affected: yes.
Comment: This variant is associated with the following publications: (PMID: 15776424, 31589614, 9634533, 15952211, 12949967, 16983147, 22391996, 24500076, 21990131, 37644014)

Revvity Omics, Revvity
Classification: Pathogenic for Smith-Lemli-Opitz syndrome. Last evaluated: 2025-03-18. Review status: criteria provided, single submitter. Criteria: ACMG Guidelines, 2015. Collection method: clinical testing. Allele origin: germline.

Blueprint Genetics
Classification: Likely pathogenic for DHCR7-related disorders. Last evaluated: 2024-11-07. Review status: criteria provided, single submitter. Criteria: ACMG Guidelines, 2015. Collection method: clinical testing. Allele origin: germline. Affected: yes. Observed: 5 variant alleles.

Genomic Medicine Center of Excellence, King Faisal Specialist Hospital and Research Centre
Classification: Pathogenic for Smith-Lemli-Opitz syndrome. Last evaluated: 2024-03-14. Review status: criteria provided, single submitter. Criteria: ACMG Guidelines, 2015. Collection method: clinical testing. Allele origin: germline.

Daryl Scott Lab, Baylor College of Medicine
Classification: Pathogenic for Smith-Lemli-Opitz syndrome. Last evaluated: 2024-01-01. Review status: criteria provided, single submitter. Criteria: ACMG Guidelines, 2015. Collection method: clinical testing. Allele origin: biparental. Affected: yes. Observed: 1 homozygote.
Comment: PVS1, PM3, PM5

Mayo Clinic Laboratories, Mayo Clinic
Classification: Pathogenic. Last evaluated: 2022-03-11. Review status: criteria provided, single submitter. Criteria: ACMG Guidelines, 2015. Collection method: clinical testing. Allele origin: germline. Observed: 1 variant allele.
Comment: PM2, PS1, PS4, PVS1

Fulgent Genetics
Classification: Pathogenic for Smith-Lemli-Opitz syndrome. Last evaluated: 2021-09-22. Review status: criteria provided, single submitter. Criteria: ACMG Guidelines, 2015. Collection method: clinical testing. Allele origin: unknown.

Genome-Nilou Lab
Classification: Pathogenic for Smith-Lemli-Opitz syndrome. Last evaluated: 2021-07-22. Review status: criteria provided, single submitter. Criteria: ACMG Guidelines, 2015. Collection method: clinical testing. Allele origin: germline. Affected: no.

ARUP Laboratories, Molecular Genetics and Genomics, ARUP Laboratories
Classification: Pathogenic for Smith-Lemli-Opitz syndrome. Last evaluated: 2020-10-12. Review status: criteria provided, single submitter. Criteria: ARUP Molecular Germline Variant Investigation Process 2021. Collection method: clinical testing. Allele origin: germline.
Comment: The DHCR7 c.1A>G; p.Met1? variant (rs104886033) is reported in the literature in multiple individuals affected with Smith-Lemli-Opitz syndrome (SLOS) (Bianconi 2011, Pappu 2006, Scalco 2005, Witsch-Baumgartner 2005). Most affected individuals with this variant were described with mild disease and were found to carry an additional pathogenic variant in trans (Bianconi 2011, Pappu 2006, Scalco 2005, Witsch-Baumgartner 2005). The c.1A>G variant is found on only four chromosomes (4/282880 alleles) in the Genome Aggregation Database. This variant abolishes the canonical start codon, which is likely to negatively impact gene function. While a DHCR7 protein beginning at the next downstream methionine, Met59, has been demonstrated to be enzymatically active (Wassif 2005), it is unknown if this downstream methionine is used in vivo or how the activity compares to the canonical protein. Another variant affecting the canonical methionine (c.3G>A) has also been reported in individuals affected with SLOS and is considered disease-causing (Waterham 2000). Based on available information, the c.1A>G variant is considered to be pathogenic. References: Bianconi SE et al. Adrenal function in Smith-Lemli-Opitz syndrome. Am J Med Genet A. 2011 Nov;155A(11):2732-8. Pappu AS et al. Increased nonsterol isoprenoids, dolichol and ubiquinone, in the Smith-Lemli-Opitz syndrome: effects of dietary cholesterol. J Lipid Res. 2006 Dec;47(12):2789-98. Scalco FB et al. DHCR7 mutations in Brazilian Smith-Lemli-Opitz syndrome patients. Am J Med Genet A. 2005 Jul 30;136(3):278-81. Wassif CA et al. Mutations in the human sterol delta7-reductase gene at 11q12-13 cause Smith-Lemli-Opitz syndrome. Am J Hum Genet. 1998 Jul;63(1):55-62. Waterham HR and Wanders RJ. Biochemical and genetic aspects of 7-dehydrocholesterol reductase and Smith-Lemli-Opitz syndrome. Biochim Biophys Acta. 2000 Dec 15;1529(1-3):340-56. Witsch-Baumgartner M et al. Identification of 14 novel mutations in DHCR7 causing the Smith-Lemli-Opitz syndrome and delineation of the DHCR7 mutational spectra in Spain and Italy. Hum Mutat. 2005 Apr;25(4):412.